The following is an entry in ClinVar:

NM_001354604.2(MITF):c.1195G>C (p.Ala399Pro)

Gene: MITF (melanocyte inducing transcription factor; plus strand). Cytogenetic location: 3p13.
Variant type: single nucleotide variant.
Coding change: c.1195G>C on transcript NM_001354604.2 (MANE Select); coding-DNA position 1195, G replaced by C.
Protein change: p.Ala399Pro; replaces alanine 399 with proline.
Molecular consequence: missense variant.
Genome position (GRCh38, 1-based): chr3:69,964,862, G>C. VCF-style: chr3-69964862-G-C. GRCh37 (hg19) VCF-style: chr3-70014013-G-C.
Other names: c.1021G>C, p.Ala341Pro (NM_001354608.2, NM_001184967.2); c.1174G>C, p.Ala392Pro (NM_006722.3, NM_001354606.2); c.856G>C, p.Ala286Pro (NM_198158.3); c.1177G>C, p.Ala393Pro (NM_198159.3); c.1129G>C, p.Ala377Pro (NM_198177.3); c.688G>C, p.Ala230Pro (NM_198178.3); c.874G>C, p.Ala292Pro (NM_000248.4); c.1192G>C, p.Ala398Pro (NM_001354605.2); and 1 more; short protein forms A230P, A393P, A398P, A399P, A292P, A392P, A286P, A377P.
Identifiers: ClinVar variation 5024492 (VCV005024492.1).

ClinVar aggregate classification (germline): Uncertain significance (1 of 4 stars; one submission).

Conditions:
Hereditary cancer-predisposing syndrome. Also called: Neoplastic Syndromes, Hereditary; Tumor predisposition; Hereditary neoplastic syndrome; Hereditary Cancer Syndrome. Identifiers: Orphanet 140162, MedGen C0027672, MeSH D009386, MONDO:0015356.

Submission:

Ambry Genetics
Classification: Uncertain significance for Hereditary cancer-predisposing syndrome. Last evaluated: 2026-09-07. Review status: criteria provided, single submitter. Criteria: Ambry Variant Classification Scheme 2023. Collection method: clinical testing. Allele origin: germline.
Comment: The p.A292P variant (also known as c.874G>C), located in coding exon 9 of the MITF gene, results from a G to C substitution at nucleotide position 874. The alanine at codon 292 is replaced by proline, an amino acid with highly similar properties. This amino acid position is conserved. In addition, this alteration is predicted to be deleterious by in silico analysis. Based on the available evidence, the clinical significance of this variant remains unclear.